The following is an entry in ClinVar:

ClinVar aggregate classification (germline): Benign/Likely benign. Review status: criteria provided, multiple submitters, no conflicts (2 of 4 stars). 9 submissions from 9 submitters: Benign (2); Likely benign (6). 1 of the submissions does not count toward it. Last evaluated 2026-04-20.

Conditions:
TSC2-related disorder. Also called: TSC2-Related Disorders; TSC2-related condition.
Hereditary cancer-predisposing syndrome. Also called: Hereditary Cancer Syndrome; Neoplastic Syndromes, Hereditary; Hereditary neoplastic syndrome; Tumor predisposition. Identifiers: Orphanet 140162, MedGen C0027672, MeSH D009386, MONDO:0015356.
Tuberous sclerosis syndrome (TSC). Also called: Tuberous Sclerosis Complex; Tuberous sclerosis. Identifiers: Orphanet 805, MedGen C0041341, MONDO:0001734.
Tuberous sclerosis 2 (TSC2). Identifiers: Orphanet 805, MedGen C1860707, MONDO:0013199, OMIM 613254.

Allele frequency attached by ClinVar (database versions not stated): gnomAD exomes 0.00001 and 0.00003; ExAC 0.00005; TOPMed 0.00009; gnomAD 0.00010 and 0.00011; ESP Exome Variant Server 0.00015.

Submissions (9):

Dasa
Classification: Likely benign for Tuberous sclerosis 2. Last evaluated: 2026-04-20. Review status: criteria provided, single submitter. Criteria: DASA Assertion Criteria. Collection method: clinical testing. Allele origin: germline.
Comment: NM_000548.5(TSC2):c.4579T>C (p.Phe1527Leu) is interpreted based on available population and clinical evidence, including population frequency and no convincing observation in affected individuals. Based on the available data, this variant is classified as likely benign.

PreventionGenetics, part of Exact Sciences
Classification: Likely benign for TSC2-related condition. Last evaluated: 2026-04-08. Review status: criteria provided, single submitter. Criteria: ACMG Guidelines, 2015. Collection method: clinical testing. Allele origin: germline.
Comment: This variant is classified as likely benign based on ACMG/AMP sequence variant interpretation guidelines (Richards et al. 2015 PMID: 25741868, with internal and published modifications).

Labcorp Genetics (formerly Invitae), Labcorp
Classification: Benign for Tuberous sclerosis 2. Last evaluated: 2025-12-29. Review status: criteria provided, single submitter. Criteria: Invitae Variant Classification Sherloc (09022015). Collection method: clinical testing. Allele origin: germline.

Color Diagnostics, LLC DBA Color Health
Classification: Benign for Tuberous sclerosis syndrome. Last evaluated: 2025-07-13. Review status: criteria provided, single submitter. Criteria: ACMG Guidelines, 2015. Collection method: clinical testing. Allele origin: germline.

Myriad Genetics, Inc.
Classification: Likely benign for Tuberous sclerosis 2. Last evaluated: 2024-08-23. Review status: criteria provided, single submitter. Criteria: Myriad Autosomal Dominant, Autosomal Recessive and X-Linked Classification Criteria (2023). Collection method: clinical testing. Allele origin: unknown.
Comment: This variant is considered likely benign. This variant has been observed at a population frequency that is significantly greater than expected given the associated disease prevalence and penetrance.

Genome-Nilou Lab
Classification: Likely benign for Tuberous sclerosis 2. Last evaluated: 2021-11-07. Review status: criteria provided, single submitter. Criteria: ACMG Guidelines, 2015. Collection method: clinical testing. Allele origin: germline. Affected: no.

Ambry Genetics
Classification: Likely benign for Hereditary cancer-predisposing syndrome. Last evaluated: 2021-08-12. Review status: criteria provided, single submitter. Criteria: Ambry Variant Classification Scheme 2023. Collection method: clinical testing. Allele origin: germline.

GeneDx
Classification: Likely benign. Last evaluated: 2019-09-03. Review status: criteria provided, single submitter. Criteria: GeneDx Variant Classification Process June 2021. Collection method: clinical testing. Allele origin: germline. Affected: yes.

Tuberous sclerosis database (TSC2)
No classification provided. Condition: TSC. Review status: no classification provided. Criteria: Tuberous Sclerosis Database Assertion Criteria 2015. Collection method: curation. Allele origin: germline. Affected: yes. Not counted in ClinVar's aggregate classification.

NM_000548.5(TSC2):c.4579T>C (p.Phe1527Leu)

Gene: TSC2 (TSC complex subunit 2; plus strand). Cytogenetic location: 16p13.3.
Variant type: single nucleotide variant.
Coding change: c.4579T>C on transcript NM_000548.5 (MANE Select); coding-DNA position 4579, T replaced by C.
Protein change: p.Phe1527Leu; replaces phenylalanine 1527 with leucine.
Molecular consequence: missense variant.
Genome position (GRCh38, 1-based): chr16:2,085,239, T>C. VCF-style: chr16-2085239-T-C. GRCh37 (hg19) VCF-style: chr16-2135240-T-C.
Other names: c.4378T>C, p.Phe1460Leu (NM_001077183.3); c.4510T>C, p.Phe1504Leu (NM_001114382.3); c.4270T>C, p.Phe1424Leu (NM_001318827.2); c.4234T>C, p.Phe1412Leu (NM_001318829.2); c.3847T>C, p.Phe1283Leu (NM_001318831.2); c.4411T>C, p.Phe1471Leu (NM_001318832.2); c.4381T>C, p.Phe1461Leu (NM_001363528.2); c.4447T>C, p.Phe1483Leu (NM_001370404.1); and 2 more; short protein forms F1527L, F1283L, F1460L, F1412L, F1424L, F1483L, F1504L, F1461L.
Identifiers: ClinVar variation 49473 (VCV000049473.23), dbSNP rs45514391, ClinGen allele CA020719.